The following is an entry in ClinVar:

NM_000094.4(COL7A1):c.7627C>T (p.Pro2543Ser)

Gene: COL7A1 (collagen type VII alpha 1 chain; minus strand). Cytogenetic location: 3p21.31.
Variant type: single nucleotide variant.
Coding change: c.7627C>T on transcript NM_000094.4 (MANE Select); coding-DNA position 7627, C replaced by T.
Protein change: p.Pro2543Ser; replaces proline 2543 with serine.
Molecular consequence: missense variant.
Genome position (GRCh38, 1-based): chr3:48,569,434, G>A on the plus strand (C>T on the coding strand, the complement: COL7A1 is on the minus strand). VCF-style: chr3-48569434-G-A. GRCh37 (hg19) VCF-style: chr3-48606867-G-A.
Other names: short protein forms P2543S.
Identifiers: ClinVar variation 1522359 (VCV001522359.8), dbSNP rs2043774045, ClinGen allele CA352643958.

ClinVar aggregate classification (germline): Uncertain significance (1 of 4 stars; one submission).

Submission:

Labcorp Genetics (formerly Invitae), Labcorp
Classification: Uncertain significance. Last evaluated: 2022-06-13. Review status: criteria provided, single submitter. Criteria: Invitae Variant Classification Sherloc (09022015). Collection method: clinical testing. Allele origin: germline.
Comment: In summary, the available evidence is currently insufficient to determine the role of this variant in disease. Therefore, it has been classified as a Variant of Uncertain Significance. Advanced modeling of protein sequence and biophysical properties (such as structural, functional, and spatial information, amino acid conservation, physicochemical variation, residue mobility, and thermodynamic stability) performed at Invitae indicates that this missense variant is not expected to disrupt COL7A1 protein function. This variant has not been reported in the literature in individuals affected with COL7A1-related conditions. This variant is not present in population databases (gnomAD no frequency). This sequence change replaces proline, which is neutral and non-polar, with serine, which is neutral and polar, at codon 2543 of the COL7A1 protein (p.Pro2543Ser).